The following is an entry in ClinVar:

NM_000548.5(TSC2):c.3090G>A (p.Met1030Ile)

Gene: TSC2 (TSC complex subunit 2; plus strand). Cytogenetic location: 16p13.3.
Variant type: single nucleotide variant.
Coding change: c.3090G>A on transcript NM_000548.5 (MANE Select); coding-DNA position 3090, G replaced by A.
Protein change: p.Met1030Ile; replaces methionine 1030 with isoleucine.
Molecular consequence: missense variant. On other transcripts: non-coding transcript variant (5).
Genome position (GRCh38, 1-based): chr16:2,079,155, G>A. VCF-style: chr16-2079155-G-A. GRCh37 (hg19) VCF-style: chr16-2129156-G-A.
Other names: c.2958G>A, p.Met986Ile (NM_001077183.3, NM_001370404.1, NM_001406665.1); c.3090G>A, p.Met1030Ile (NM_001114382.3); c.2850G>A, p.Met950Ile (NM_001318827.2); c.2814G>A, p.Met938Ile (NM_001318829.2); c.2358G>A, p.Met786Ile (NM_001318831.2, NM_001406687.1, NM_001406688.1); c.2991G>A, p.Met997Ile (NM_001318832.2); c.2961G>A, p.Met987Ile (NM_001363528.2, NM_001370405.1, NM_021055.3); c.3087G>A, p.Met1029Ile (NM_001406663.1, NM_001406664.1); and 18 more; short protein forms M1016I, M1017I, M1029I, M1030I, M452I, M538I, M539I, M582I.
Identifiers: ClinVar variation 4532644 (VCV004532644.1).
Genomic context (GRCh38, chr16:2,079,155, plus strand): 5'-GGCTGACGATAGCCTGAAAAACCTCCACCTGGAGCTCACGGAAACCTGTCTGGACATGAT[G>A]GCTCGATACGTCTTCTCCAACTTCACGGCTGTCCCGAAGAGGTCCAGGCGGCACTACAGG-3'
Protein context (NP_000539.2, residues 1020-1040): LELTETCLDM[Met1030Ile]ARYVFSNFTA

ClinVar aggregate classification (germline): Uncertain significance (1 of 4 stars; one submission).

Submission:

GeneDx
Classification: Uncertain significance. Last evaluated: 2025-05-26. Review status: criteria provided, single submitter. Criteria: GeneDx Variant Classification Process June 2021. Collection method: clinical testing. Allele origin: germline. Affected: yes.
Comment: Not observed at significant frequency in large population cohorts (gnomAD); In silico analysis supports that this missense variant has a deleterious effect on protein structure/function; Has not been previously published as pathogenic or benign to our knowledge